The following is an entry in ClinVar:

NM_006950.3(SYN1):c.556C>T (p.Arg186Cys)

Gene: SYN1 (synapsin I; minus strand). Cytogenetic location: Xp11.23.
Variant type: single nucleotide variant.
Coding change: c.556C>T on transcript NM_006950.3 (MANE Select); coding-DNA position 556, C replaced by T.
Protein change: p.Arg186Cys; replaces arginine 186 with cysteine.
Molecular consequence: missense variant.
Genome position (GRCh38, 1-based): chrX:47,605,351, G>A on the plus strand (C>T on the coding strand, the complement: SYN1 is on the minus strand). VCF-style: chrX-47605351-G-A. GRCh37 (hg19) VCF-style: chrX-47464750-G-A.
Other names: c.556C>T, p.Arg186Cys (NM_133499.2); short protein forms R186C.
Identifiers: ClinVar variation 3363217 (VCV003363217.2).
Genomic context (GRCh38, chrX:47,605,351, plus strand): 5'-GCAGCCCAATGACCAAACTGCGGTAGTCTCCGTTGCGTGCCATGCTGAAGGCGTGCTGGC[G>A]GATCAGCACAAAATCCGGCTTCAGAGACCTAGTGTGGCAGGGGTAGGAGTGTTGAGAGTT-3'
Protein context (NP_008881.2, residues 176-196): RSLKPDFVLI[Arg186Cys]QHAFSMARNG

ClinVar aggregate classification (germline): Uncertain significance (1 of 4 stars; one submission).

gnomAD v4.1: 1 of 1,211,383 alleles (0.000083%); no homozygotes.

Submission:

GeneDx
Classification: Uncertain significance. Last evaluated: 2025-04-10. Review status: criteria provided, single submitter. Criteria: GeneDx Variant Classification Process June 2021. Collection method: clinical testing. Allele origin: germline.
Comment: Not observed at significant frequency in large population cohorts (gnomAD); In silico analysis supports that this missense variant has a deleterious effect on protein structure/function; Has not been previously published as pathogenic or benign to our knowledge